The following is an entry in ClinVar:

ClinVar aggregate classification (germline): Pathogenic (1 of 4 stars; one submission).

Conditions:
Osteogenesis imperfecta type I (OI1). Also called: OI, TYPE I; OSTEOGENESIS IMPERFECTA TARDA; OSTEOGENESIS IMPERFECTA WITH BLUE SCLERAE; Osteogenesis imperfecta type 1; Lobstein's Disease; Lobstein disease. Identifiers: Orphanet 216796, Orphanet 666, MedGen C0023931, MONDO:0008146, OMIM 166200. Disease mechanism: loss of function.

Submission:

Labcorp Genetics (formerly Invitae), Labcorp
Classification: Pathogenic for Osteogenesis imperfecta type I. Last evaluated: 2022-12-19. Review status: criteria provided, single submitter. Criteria: Invitae Variant Classification Sherloc (09022015). Collection method: clinical testing. Allele origin: germline.
Comment: This sequence change creates a premature translational stop signal (p.Glu90Argfs*79) in the COL1A1 gene. It is expected to result in an absent or disrupted protein product. Loss-of-function variants in COL1A1 are known to be pathogenic (PMID: 7942841, 9295084, 9443882). This variant is not present in population databases (gnomAD no frequency). This variant has not been reported in the literature in individuals affected with COL1A1-related conditions. For these reasons, this variant has been classified as Pathogenic.

Literature cited by the submitters: PubMed 7942841; PubMed 9295084; PubMed 9443882.

NM_000088.4(COL1A1):c.266dup (p.Glu90fs)

Gene: COL1A1 (collagen type I alpha 1 chain; minus strand). Cytogenetic location: 17q21.33.
Variant type: Duplication.
Coding change: c.266dup on transcript NM_000088.4 (MANE Select); coding-DNA position 266, one base duplicated (G; older notation c.266dupG).
Protein change: p.Glu90fs; shifts the reading frame from glutamic acid 90.
Molecular consequence: frameshift variant.
Genome position (GRCh38, 1-based): chr17:50,199,785, C duplicated on the plus strand (G on the coding strand, the reverse complement: COL1A1 is on the minus strand); the first of 3 consecutive C bases (chr17:50,199,785-50,199,787); duplicating any one gives the same sequence. VCF-style (leftmost placement, unchanged base first): chr17-50199784-G-GC. GRCh37 (hg19) VCF-style: chr17-48277145-G-GC.
Other names: short protein forms E90fs.
Identifiers: ClinVar variation 2822192 (VCV002822192.3), dbSNP rs2509258309, ClinGen allele CA2739268234.